The following is an entry in ClinVar:

NM_080732.4(EGLN2):c.347C>G (p.Ala116Gly)

Genes: EGLN2 (egl-9 family hypoxia inducible factor 2; plus strand), RAB4B-EGLN2 (RAB4B-EGLN2 readthrough (NMD candidate); plus strand). Cytogenetic location: 19q13.2.
Variant type: single nucleotide variant.
Coding change: c.347C>G on transcript NM_080732.4 (MANE Select); coding-DNA position 347, C replaced by G.
Protein change: p.Ala116Gly; replaces alanine 116 with glycine.
Molecular consequence: missense variant. On other transcripts: non-coding transcript variant (1).
Genome position (GRCh38, 1-based): chr19:40,800,919, C>G. VCF-style: chr19-40800919-C-G. GRCh37 (hg19) VCF-style: chr19-41306824-C-G.
Other names: c.347C>G, p.Ala116Gly (NM_053046.4); short protein forms A116G.
Identifiers: ClinVar variation 1731827 (VCV001731827.2), dbSNP rs754368331, ClinGen allele CA9452195.
Genomic context (GRCh38, chr19:40,800,919, plus strand): 5'-CTGCAGCGCTGGTCACCAAGGGGTGCCAGCGATTGGCAGCCCAGGGCGCACGGCCTGAGG[C>G]CCCCAAACGGAAATGGGCCGAGGATGGTGGGGATGCCCCTTCACCCAGCAAACGGCCCTG-3'
Protein context (NP_542770.2, residues 106-126): RLAAQGARPE[Ala116Gly]PKRKWAEDGG

ClinVar aggregate classification (germline): Uncertain significance (1 of 4 stars; one submission).

Allele frequency attached by ClinVar (database versions not stated): ExAC 0.00001.

Submission:

Ambry Genetics
Classification: Uncertain significance. Last evaluated: 2024-02-16. Review status: criteria provided, single submitter. Criteria: Ambry Variant Classification Scheme 2023. Collection method: clinical testing. Allele origin: germline.
Comment: The p.A116G variant (also known as c.347C>G), located in coding exon 1 of the EGLN2 gene, results from a C to G substitution at nucleotide position 347. The alanine at codon 116 is replaced by glycine, an amino acid with similar properties. This amino acid position is conserved. In addition, this alteration is predicted to be tolerated by in silico analysis. Since supporting evidence is limited at this time, the clinical significance of this alteration remains unclear.